The following is an entry in ClinVar:

ClinVar aggregate classification (germline): Uncertain significance. Review status: criteria provided, multiple submitters, no conflicts (2 of 4 stars). 2 submissions from 2 submitters: Uncertain significance (2). Last evaluated 2024-04-09.

Conditions:
Hereditary cancer-predisposing syndrome. Also called: Hereditary neoplastic syndrome; Neoplastic Syndromes, Hereditary; Hereditary Cancer Syndrome; Tumor predisposition. Identifiers: Orphanet 140162, MedGen C0027672, MeSH D009386, MONDO:0015356.

Submissions (2):

Ambry Genetics
Classification: Uncertain significance for Hereditary cancer-predisposing syndrome. Last evaluated: 2024-04-09. Review status: criteria provided, single submitter. Criteria: Ambry Variant Classification Scheme 2023. Collection method: clinical testing. Allele origin: germline.
Comment: The p.L636V variant (also known as c.1906C>G), located in coding exon 17 of the POLE gene, results from a C to G substitution at nucleotide position 1906. The leucine at codon 636 is replaced by valine, an amino acid with highly similar properties. This amino acid position is conserved. In addition, the in silico prediction for this alteration is inconclusive. Based on the available evidence, the clinical significance of this variant remains unclear.

Labcorp Genetics (formerly Invitae), Labcorp
Classification: Uncertain significance. Last evaluated: 2022-10-06. Review status: criteria provided, single submitter. Criteria: Invitae Variant Classification Sherloc (09022015). Collection method: clinical testing. Allele origin: germline.
Comment: This sequence change replaces leucine, which is neutral and non-polar, with valine, which is neutral and non-polar, at codon 636 of the POLE protein (p.Leu636Val). In summary, the available evidence is currently insufficient to determine the role of this variant in disease. Therefore, it has been classified as a Variant of Uncertain Significance. Advanced modeling of protein sequence and biophysical properties (such as structural, functional, and spatial information, amino acid conservation, physicochemical variation, residue mobility, and thermodynamic stability) performed at Invitae indicates that this missense variant is expected to disrupt POLE protein function. This variant has not been reported in the literature in individuals affected with POLE-related conditions. This variant is not present in population databases (gnomAD no frequency).

NM_006231.4(POLE):c.1906C>G (p.Leu636Val)

Gene: POLE (DNA polymerase epsilon, catalytic subunit; minus strand). Cytogenetic location: 12q24.33.
Variant type: single nucleotide variant.
Coding change: c.1906C>G on transcript NM_006231.4 (MANE Select); coding-DNA position 1906, C replaced by G.
Protein change: p.Leu636Val; replaces leucine 636 with valine.
Molecular consequence: missense variant.
Genome position (GRCh38, 1-based): chr12:132,668,828, G>C on the plus strand (C>G on the coding strand, the complement: POLE is on the minus strand). VCF-style: chr12-132668828-G-C. GRCh37 (hg19) VCF-style: chr12-133245414-G-C.
Other names: c.1906C>G (NM_006231.2); short protein forms L636V.
Identifiers: ClinVar variation 1721083 (VCV001721083.6), dbSNP rs2542103884, ClinGen allele CA387355298.
Genomic context (GRCh38, chr12:132,668,828, plus strand): 5'-GGCAGAGAGAGCTCCGACTCTGACACGGGAAGTAAAGTCTCACCTGCAGGCGGTTGGTCA[G>C]GATGATGTTGGGGTACATGGCCCCCACGTCCAGGTGGTAGATGAGTGGACACTCGATGCG-3'
Protein context (NP_006222.2, residues 626-646): DVGAMYPNII[Leu636Val]TNRLQPSAMV